The following is an entry in ClinVar:

NM_001164508.2(NEB):c.24913_24914delinsA (p.Phe8305fs)

Genes: NEB (nebulin; minus strand), RIF1 (replication timing regulatory factor 1; plus strand). Cytogenetic location: 2q23.3.
Variant type: Indel.
Coding change: c.24913_24914delinsA on transcript NM_001164508.2 (MANE Select); coding-DNA positions 24913 to 24914, TT replaced by A.
Protein change: p.Phe8305fs; shifts the reading frame from phenylalanine 8305.
Molecular consequence: frameshift variant.
Genome position (GRCh38, 1-based): chr2:151,492,241-151,492,242, AA replaced by T on the plus strand (TT replaced by A on the coding strand, the reverse complement: NEB is on the minus strand). VCF-style: chr2-151492241-AA-T. GRCh37 (hg19) VCF-style: chr2-152348755-AA-T.
Other names: c.24913_24914delinsA, p.Phe8305fs (NM_001164507.2); c.25018_25019delinsA, p.Phe8340fs (NM_001271208.2); c.19345_19346delinsA, p.Phe6449fs (NM_004543.5); short protein forms F6449fs, F8305fs, F8340fs.
Identifiers: ClinVar variation 1725697 (VCV001725697.2), dbSNP rs2551707826, ClinGen allele CA2580063955.

ClinVar aggregate classification (germline): Likely pathogenic (1 of 4 stars; one submission).

Conditions:
Nemaline myopathy 2 (NEM2). Also called: Nemaline myopathy 2, autosomal recessive. Identifiers: MedGen C1850569, MONDO:0009725, OMIM 256030.

Submission:

Myriad Genetics, Inc.
Classification: Likely pathogenic for Nemaline myopathy 2. Last evaluated: 2022-03-31. Review status: criteria provided, single submitter. Criteria: Myriad Women's Health Autosomal Recessive and X-Linked Classification Criteria (2021). Collection method: clinical testing. Allele origin: unknown.
Comment: NM_001271208.1(NEB):c.25018_25019delTTinsA(F8340Tfs*5) is expected to be pathogenic in the context of NEB-related nemaline myopathy. This variant is predicted to lead to an abnormal or absent protein product due to the creation of a premature termination codon in NEB, a gene where loss-of-function variants are known to be pathogenic. Please note: this variant was assessed in the context of healthy population screening.